The following is an entry in ClinVar:

ClinVar aggregate classification (germline): Likely pathogenic. Review status: criteria provided, multiple submitters, no conflicts (2 of 4 stars). 2 submissions from 2 submitters: Likely pathogenic (2). Last evaluated 2024-06-06.

Conditions:
Muscular dystrophy-dystroglycanopathy (congenital with brain and eye anomalies), type A5. Also called: MUSCULAR DYSTROPHY-DYSTROGLYCANOPATHY (CONGENITAL WITH BRAIN AND EYE ANOMALIES), TYPE A, 5; WALKER-WARBURG SYNDROME OR MUSCLE-EYE-BRAIN DISEASE, FKRP-RELATED. Identifiers: Orphanet 588, Orphanet 899, MedGen C3150413, MONDO:0013157, OMIM 613153.
Autosomal recessive limb-girdle muscular dystrophy type 2I. Also called: MUSCULAR DYSTROPHY-DYSTROGLYCANOPATHY (LIMB-GIRDLE), TYPE C, 5; MUSCULAR DYSTROPHY, LIMB-GIRDLE, TYPE 2I; MUSCULAR DYSTROPHY-DYSTROGLYCANOPATHY, LIMB-GIRDLE, FRKP-RELATED. Identifiers: Orphanet 34515, MedGen C1846672, MONDO:0011787, OMIM 607155.

Submissions (2):

Natera, Inc.
Classification: Likely pathogenic for Limb-girdle muscular dystrophy type 2I. Last evaluated: 2024-06-06. Review status: criteria provided, single submitter. Criteria: Natera Variant Classification Schema (03/2026). Collection method: clinical testing. Allele origin: germline.
Comment: The c.163G>T variant in FKRP is a nonsense variant predicted to introduce a stop codon at amino acid 55. This variant is expected to result in nonsense mediated decay, truncation, or a dysfunctional protein product. This variant is rare in the general population with a frequency below the threshold expected for the associated phenotype(s). Given the available evidence, this variant is classified as Likely Pathogenic.

Baylor Genetics
Classification: Likely pathogenic for Muscular dystrophy-dystroglycanopathy (congenital with brain and eye anomalies), type A5. Last evaluated: 2024-03-21. Review status: criteria provided, single submitter. Criteria: ACMG Guidelines, 2015. Collection method: clinical testing. Allele origin: unknown.

NM_024301.5(FKRP):c.163G>T (p.Glu55Ter)

Gene: FKRP (fukutin related protein; plus strand). Cytogenetic location: 19q13.32.
Variant type: single nucleotide variant.
Coding change: c.163G>T on transcript NM_024301.5 (MANE Select); coding-DNA position 163, G replaced by T.
Protein change: p.Glu55Ter; replaces glutamic acid 55 with a stop codon.
Molecular consequence: nonsense.
Genome position (GRCh38, 1-based): chr19:46,755,613, G>T. VCF-style: chr19-46755613-G-T. GRCh37 (hg19) VCF-style: chr19-47258870-G-T.
Other names: c.163G>T, p.Glu55Ter (NM_001039885.3); c.163G>T (NM_024301.4); short protein forms E55*.
Identifiers: ClinVar variation 3241622 (VCV003241622.2), dbSNP rs2122609947.